The following is an entry in ClinVar:

ClinVar aggregate classification (germline): Uncertain significance. Review status: criteria provided, multiple submitters, no conflicts (2 of 4 stars). 4 submissions from 4 submitters: Uncertain significance (4). Last evaluated 2026-01-05.

Conditions:
Hereditary cancer-predisposing syndrome. Also called: Tumor predisposition; Neoplastic Syndromes, Hereditary; Hereditary Cancer Syndrome; Hereditary neoplastic syndrome. Identifiers: Orphanet 140162, MedGen C0027672, MeSH D009386, MONDO:0015356.
Birt-Hogg-Dube syndrome. Also called: Birt Hogg Dubé syndrome. Identifiers: Orphanet 122, MedGen C0346010, MONDO:0800444.

Allele frequency attached by ClinVar (database versions not stated): ExAC 0.00001; gnomAD 0.00002 and 0.00003; TOPMed 0.00003.
gnomAD v4.1: 4 of 1,613,502 alleles (0.00025%); highest among the groups gnomAD compares: Admixed American, 0.005%; no homozygotes.

Submissions (4):

Labcorp Genetics (formerly Invitae), Labcorp
Classification: Uncertain significance for Birt-Hogg-Dube syndrome. Last evaluated: 2026-01-05. Review status: criteria provided, single submitter. Criteria: Invitae Variant Classification Sherloc (09022015). Collection method: clinical testing. Allele origin: germline.
Comment: This sequence change replaces proline, which is neutral and non-polar, with threonine, which is neutral and polar, at codon 427 of the FLCN protein (p.Pro427Thr). This variant is present in population databases (rs773986076, gnomAD 0.007%). This variant has not been reported in the literature in individuals affected with FLCN-related conditions. ClinVar contains an entry for this variant (Variation ID: 485631). Invitae Evidence Modeling of protein sequence and biophysical properties (such as structural, functional, and spatial information, amino acid conservation, physicochemical variation, residue mobility, and thermodynamic stability) has been performed for this missense variant. However, the output from this modeling did not meet the statistical confidence thresholds required to predict the impact of this variant on FLCN protein function. In summary, the available evidence is currently insufficient to determine the role of this variant in disease. Therefore, it has been classified as a Variant of Uncertain Significance.

Ambry Genetics
Classification: Uncertain significance for Hereditary cancer-predisposing syndrome. Last evaluated: 2025-07-10. Review status: criteria provided, single submitter. Criteria: Ambry Variant Classification Scheme 2023. Collection method: clinical testing. Allele origin: germline.
Comment: The p.P427T variant (also known as c.1279C>A), located in coding exon 8 of the FLCN gene, results from a C to A substitution at nucleotide position 1279. The proline at codon 427 is replaced by threonine, an amino acid with highly similar properties. This amino acid position is highly conserved in available vertebrate species. In addition, this alteration is predicted to be deleterious by in silico analysis. Since supporting evidence is limited at this time, the clinical significance of this alteration remains unclear.

GeneDx
Classification: Uncertain significance. Last evaluated: 2023-10-26. Review status: criteria provided, single submitter. Criteria: GeneDx Variant Classification Process June 2021. Collection method: clinical testing. Allele origin: germline. Affected: yes.
Comment: Not observed at significant frequency in large population cohorts (gnomAD); In silico analysis supports that this missense variant has a deleterious effect on protein structure/function; Has not been previously published as pathogenic or benign to our knowledge; This variant is associated with the following publications: (PMID: 17028174)

Sema4
Classification: Uncertain significance for Hereditary cancer-predisposing syndrome. Last evaluated: 2021-07-29. Review status: criteria provided, single submitter. Criteria: Sema4 Curation Guidelines. Collection method: curation. Allele origin: germline.
Comment: The FLCN c.1279C>A (p.P427T) variant has not been reported in the literature to our knowledge. It was observed in 1/16082 chromosomes of the African/African American subpopulation in the Genome Aggregation Database (PMID: 32461654). The variant has been reported in ClinVar (Variation ID 485631). Functional studies have not been performed, and in silico predictions of the variant's effect on protein function are deleterious. The evidence is insufficient to meet ACMG/AMP criteria for classifying the variant as benign or pathogenic. Thus, the clinical significance of this variant is currently uncertain.

NM_144997.7(FLCN):c.1279C>A (p.Pro427Thr)

Gene: FLCN (folliculin; minus strand). Cytogenetic location: 17p11.2.
Variant type: single nucleotide variant.
Coding change: c.1279C>A on transcript NM_144997.7 (MANE Select); coding-DNA position 1279, C replaced by A.
Protein change: p.Pro427Thr; replaces proline 427 with threonine.
Molecular consequence: missense variant.
Genome position (GRCh38, 1-based): chr17:17,216,401, G>T on the plus strand (C>A on the coding strand, the complement: FLCN is on the minus strand). VCF-style: chr17-17216401-G-T. GRCh37 (hg19) VCF-style: chr17-17119715-G-T.
Other names: c.1279C>A (LRG_325t1); c.1333C>A, p.Pro445Thr (NM_001353229.2); c.1279C>A, p.Pro427Thr (NM_001353230.2, NM_001353231.2); short protein forms P427T, P445T.
Identifiers: ClinVar variation 485631 (VCV000485631.13), dbSNP rs773986076, ClinGen allele CA8416079.